The following is an entry in ClinVar:

NM_006904.7(PRKDC):c.10916A>G (p.Glu3639Gly)

Gene: PRKDC (protein kinase, DNA-activated, catalytic subunit; minus strand). Cytogenetic location: 8q11.21.
Variant type: single nucleotide variant.
Coding change: c.10916A>G on transcript NM_006904.7 (MANE Select); coding-DNA position 10916, A replaced by G.
Protein change: p.Glu3639Gly; replaces glutamic acid 3639 with glycine.
Molecular consequence: missense variant.
Genome position (GRCh38, 1-based): chr8:47,785,304, T>C on the plus strand (A>G on the coding strand, the complement: PRKDC is on the minus strand). VCF-style: chr8-47785304-T-C. GRCh37 (hg19) VCF-style: chr8-48697865-T-C.
Other names: c.10916A>G, p.Glu3639Gly (NM_001081640.2); short protein forms E3639G.
Identifiers: ClinVar variation 1789348 (VCV001789348.2), dbSNP rs2551860921, ClinGen allele CA371131420.

ClinVar aggregate classification (germline): Uncertain significance (1 of 4 stars; one submission).

Submission:

Ambry Genetics
Classification: Uncertain significance. Last evaluated: 2021-11-22. Review status: criteria provided, single submitter. Criteria: Ambry Variant Classification Scheme 2023. Collection method: clinical testing. Allele origin: germline.
Comment: The p.E3639G variant (also known as c.10916A>G), located in coding exon 77 of the PRKDC gene, results from an A to G substitution at nucleotide position 10916. The glutamic acid at codon 3639 is replaced by glycine, an amino acid with similar properties. This amino acid position is conserved. Since supporting evidence is limited at this time, the clinical significance of this alteration remains unclear.